The following is an entry in ClinVar:

NM_001009944.3(PKD1):c.9034A>C (p.Thr3012Pro)

Gene: PKD1 (polycystin 1, transient receptor potential channel interacting; minus strand). Cytogenetic location: 16p13.3.
Variant type: single nucleotide variant.
Coding change: c.9034A>C on transcript NM_001009944.3 (MANE Select); coding-DNA position 9034, A replaced by C.
Protein change: p.Thr3012Pro; replaces threonine 3012 with proline.
Molecular consequence: missense variant.
Genome position (GRCh38, 1-based): chr16:2,102,548, T>G on the plus strand (A>C on the coding strand, the complement: PKD1 is on the minus strand). VCF-style: chr16-2102548-T-G. GRCh37 (hg19) VCF-style: chr16-2152549-T-G.
Other names: c.9034A>C, p.Thr3012Pro (NM_000296.4); short protein forms T3012P.
Identifiers: ClinVar variation 4533285 (VCV004533285.1).

ClinVar aggregate classification (germline): Uncertain significance (1 of 4 stars; one submission).

Conditions:
Polycystic kidney disease, adult type (PKD1). Also called: Polycystic Kidney, Autosomal Dominant; POLYCYSTIC KIDNEY DISEASE, ADULT, TYPE I; Polycystic Kidney Disease 1, Autosomal Dominant; Polycystic kidney disease 1; Polycystic kidney disease 1, severe; POLYCYSTIC KIDNEY DISEASE 1 WITH OR WITHOUT POLYCYSTIC LIVER DISEASE. Identifiers: MedGen C3149841, MONDO:0008263, OMIM 173900.

Submission:

Diagnostics Services (NGS), CSIR - Centre For Cellular And Molecular Biology
Classification: Uncertain significance for Polycystic kidney disease, adult type. Last evaluated: 2025-11-19. Review status: criteria provided, single submitter. Criteria: ACMG Guidelines, 2015. Collection method: clinical testing. Allele origin: germline. Affected: yes. Observed: 1 variant allele, 1 heterozygote.
Comment: The c.9034A>C variant is not present in publicly available population databases like 1000 Genomes, gnomAD, EVS, Indian Exome Database or in our internal database. This variant has been previously observed in individuals affected with PKD1-related polycystic kidney disease [PMID: 31740684] and reported to the Human Genome Mutation Database (HGMD ID: CM1921821). In-silico pathogenicity prediction programs like Polyphen-2, MutationTaster2, CADD, etc predicted this variant to be likely deleterious, however these predictions were not confirmed by any published functional studies.

Literature cited by the submitters: PubMed 31740684.